The following is an entry in ClinVar:

NM_001374828.1(ARID1B):c.493C>A (p.Gln165Lys)

Genes: ARID1B (AT-rich interaction domain 1B; plus strand), LOC115308161 (uncharacterized LOC115308161; minus strand). Cytogenetic location: 6q25.3.
Variant type: single nucleotide variant.
Coding change: c.493C>A on transcript NM_001374828.1 (MANE Select); coding-DNA position 493, C replaced by A.
Protein change: p.Gln165Lys; replaces glutamine 165 with lysine.
Molecular consequence: missense variant.
Genome position (GRCh38, 1-based): chr6:156,778,173, C>A. VCF-style: chr6-156778173-C-A. GRCh37 (hg19) VCF-style: chr6-157099307-C-A.
Other names: c.244C>A, p.Gln82Lys (NM_001346813.1, NM_020732.3); c.493C>A, p.Gln165Lys (NM_001371656.1, NM_001374820.1, NM_017519.3); c.70C>A, p.Gln24Lys (NM_175863.2); short protein forms Q165K, Q24K, Q82K.
Identifiers: ClinVar variation 2207407 (VCV002207407.7), dbSNP rs1460103880, ClinGen allele CA366381420.

ClinVar aggregate classification (germline): Conflicting classifications of pathogenicity. Review status: criteria provided, conflicting classifications (1 of 4 stars). 4 submissions from 4 submitters: Uncertain significance (2); Likely benign (2). Last evaluated 2025-02-20.

Conditions:
Coffin-Siris syndrome. Identifiers: Orphanet 1465, MedGen C0265338, MONDO:0015452.
Inborn genetic diseases. Identifiers: MedGen C0950123, MeSH D030342.

Allele frequency attached by ClinVar (database versions not stated): TOPMed below 0.00001; gnomAD 0.00001; gnomAD exomes 0.00001.

Submissions (4):

Labcorp Genetics (formerly Invitae), Labcorp
Classification: Uncertain significance. Last evaluated: 2025-02-20. Review status: criteria provided, single submitter. Criteria: Invitae Variant Classification Sherloc (09022015). Collection method: clinical testing. Allele origin: germline.
Comment: This sequence change replaces glutamine, which is neutral and polar, with lysine, which is basic and polar, at codon 82 of the ARID1B protein (p.Gln82Lys). The frequency data for this variant in the population databases is considered unreliable, as metrics indicate poor data quality at this position in the gnomAD database. This missense change has been observed in individual(s) with clinical features of intellectual disability (PMID: 34356170). ClinVar contains an entry for this variant (Variation ID: 2207407). Invitae Evidence Modeling of protein sequence and biophysical properties (such as structural, functional, and spatial information, amino acid conservation, physicochemical variation, residue mobility, and thermodynamic stability) indicates that this missense variant is not expected to disrupt ARID1B protein function with a negative predictive value of 95%. In summary, the available evidence is currently insufficient to determine the role of this variant in disease. Therefore, it has been classified as a Variant of Uncertain Significance.

Blueprint Genetics
Classification: Likely benign. Last evaluated: 2024-10-07. Review status: criteria provided, single submitter. Criteria: ACMG Guidelines, 2015. Collection method: clinical testing. Allele origin: germline.

Department of Pathology and Laboratory Medicine, Sinai Health System
Classification: Uncertain significance for Coffin-Siris syndrome. Last evaluated: 2023-01-12. Review status: criteria provided, single submitter. Criteria: ACMG Guidelines, 2015. Collection method: research. Allele origin: germline.

Ambry Genetics
Classification: Likely benign for Inborn genetic diseases. Last evaluated: 2022-03-22. Review status: criteria provided, single submitter. Criteria: Ambry Variant Classification Scheme 2023. Collection method: clinical testing. Allele origin: germline.

Literature cited by the submitters: PubMed 34356170 (cited by Labcorp Genetics (formerly Invitae), Labcorp).